The following is an entry in ClinVar:

ClinVar aggregate classification (germline): Pathogenic (1 of 4 stars; one submission).

Submission:

Quest Diagnostics Nichols Institute San Juan Capistrano
Classification: Pathogenic. Last evaluated: 2020-08-14. Review status: criteria provided, single submitter. Criteria: Quest Diagnostics criteria. Collection method: clinical testing. Allele origin: unknown.
Comment: This frameshift variant alters the translational reading frame of the BRCA2 mRNA and causes the premature termination of BRCA2 protein synthesis. To the best of our knowledge, the variant has not been reported in online databases or the published literature. Based on the available information, the variant is classified as pathogenic.

NM_000059.4(BRCA2):c.4250dup (p.Asn1417fs)

Gene: BRCA2 (BRCA2 DNA repair associated; plus strand). Cytogenetic location: 13q13.1.
Variant type: Duplication.
Coding change: c.4250dup on transcript NM_000059.4 (MANE Select); coding-DNA position 4250, one base duplicated (A; older notation c.4250dupA).
Protein change: p.Asn1417fs; shifts the reading frame from asparagine 1417.
Molecular consequence: frameshift variant.
Genome position (GRCh38, 1-based): chr13:32,338,605, A duplicated; the last of 4 consecutive A bases (chr13:32,338,602-32,338,605); duplicating any one gives the same sequence. VCF-style (leftmost placement, unchanged base first): chr13-32338601-C-CA. GRCh37 (hg19) VCF-style: chr13-32912738-C-CA.
Other names: short protein forms N1417fs.
Identifiers: ClinVar variation 993174 (VCV000993174.2), dbSNP rs143998364, ClinGen allele CA1139663192.